The following is an entry in ClinVar:

NM_000179.3(MSH6):c.2320C>G (p.Leu774Val)

Gene: MSH6 (mutS homolog 6; plus strand). Cytogenetic location: 2p16.3.
Variant type: single nucleotide variant.
Coding change: c.2320C>G on transcript NM_000179.3 (MANE Select); coding-DNA position 2320, C replaced by G.
Protein change: p.Leu774Val; replaces leucine 774 with valine.
Molecular consequence: missense variant.
Genome position (GRCh38, 1-based): chr2:47,800,303, C>G. VCF-style: chr2-47800303-C-G. GRCh37 (hg19) VCF-style: chr2-48027442-C-G.
Other names: p.Leu774Val; c.1930C>G, p.Leu644Val (NM_001281492.2); c.1414C>G, p.Leu472Val (NM_001281493.2, NM_001281494.2); short protein forms L774V, L472V, L644V.
Identifiers: ClinVar variation 219956 (VCV000219956.32), dbSNP rs864622324, ClinGen allele CA348302.

ClinVar aggregate classification (germline): Conflicting classifications of pathogenicity. Review status: criteria provided, conflicting classifications (1 of 4 stars). 11 submissions from 11 submitters: Uncertain significance (9); Likely benign (1). 1 of the submissions does not count toward it. Last evaluated 2025-12-16.

Conditions:
Hereditary nonpolyposis colorectal neoplasms. Identifiers: MedGen C0009405, MeSH D003123.
Hereditary cancer-predisposing syndrome. Also called: Hereditary neoplastic syndrome; Tumor predisposition; Hereditary Cancer Syndrome; Neoplastic Syndromes, Hereditary. Identifiers: Orphanet 140162, MedGen C0027672, MeSH D009386, MONDO:0015356.
Lynch syndrome. Identifiers: Orphanet 144, MedGen C4552100, MONDO:0005835. Disease mechanism: loss of function.
Lynch syndrome 5 (LYNCH5). Also called: Colorectal cancer, hereditary nonpolyposis, type 5; Hereditary non-polyposis colorectal cancer, type 5. Identifiers: Orphanet 144, MedGen C1833477, MONDO:0013710, OMIM 614350. Disease mechanism: loss of function.
Endometrial carcinoma. Also called: Endometrial carcinoma, somatic. Identifiers: MedGen C0476089, MONDO:0002447, OMIM 608089, HP:0012114.

Allele frequency attached by ClinVar (database versions not stated): gnomAD 0.00001; gnomAD exomes 0.00001; TOPMed 0.00001.
gnomAD v4.1: 5 of 1,613,972 alleles (0.00031%); highest among the groups gnomAD compares: Non-Finnish European, 0.00042%; no homozygotes.

Submissions (11):

Labcorp Genetics (formerly Invitae), Labcorp
Classification: Likely benign for Hereditary nonpolyposis colorectal neoplasms. Last evaluated: 2025-12-16. Review status: criteria provided, single submitter. Criteria: Invitae Variant Classification Sherloc (09022015). Collection method: clinical testing. Allele origin: germline.

Color Diagnostics, LLC DBA Color Health
Classification: Uncertain significance for Hereditary cancer-predisposing syndrome. Last evaluated: 2025-06-04. Review status: criteria provided, single submitter. Criteria: ACMG Guidelines, 2015. Collection method: clinical testing. Allele origin: germline.
Comment: This missense variant replaces leucine with valine at codon 774 of the MSH6 protein. Computational prediction suggests that this variant may have deleterious impact on protein structure and function. To our knowledge, functional studies have not been reported for this variant. This variant has not been reported in individuals affected with MSH6-related disorders in the literature. This variant has been identified in 2/251146 chromosomes in the general population by the Genome Aggregation Database (gnomAD). The available evidence is insufficient to determine the role of this variant in disease conclusively. Therefore, this variant is classified as a Variant of Uncertain Significance.

Ambry Genetics
Classification: Uncertain significance for Hereditary cancer-predisposing syndrome. Last evaluated: 2024-12-16. Review status: criteria provided, single submitter. Criteria: Ambry Variant Classification Scheme 2023. Collection method: clinical testing. Allele origin: germline.
Comment: The p.L774V variant (also known as c.2320C>G), located in coding exon 4 of the MSH6 gene, results from a C to G substitution at nucleotide position 2320. The leucine at codon 774 is replaced by valine, an amino acid with highly similar properties. This amino acid position is highly conserved in available vertebrate species. In addition, this alteration is predicted to be deleterious by in silico analysis. Since supporting evidence is limited at this time, the clinical significance of this alteration remains unclear.

GeneDx
Classification: Uncertain significance. Last evaluated: 2024-02-12. Review status: criteria provided, single submitter. Criteria: GeneDx Variant Classification Process June 2021. Collection method: clinical testing. Allele origin: germline. Affected: yes.
Comment: Not observed at significant frequency in large population cohorts (gnomAD); In silico analysis supports that this missense variant has a deleterious effect on protein structure/function; Has not been previously published as pathogenic or benign to our knowledge; This variant is associated with the following publications: (PMID: 17531815, 21120944)

Baylor Genetics
Classification: Uncertain significance for Endometrial carcinoma. Last evaluated: 2024-01-05. Review status: criteria provided, single submitter. Criteria: ACMG Guidelines, 2015. Collection method: clinical testing. Allele origin: unknown.

All of Us Research Program, National Institutes of Health
Classification: Uncertain significance for Lynch syndrome. Last evaluated: 2023-10-27. Review status: criteria provided, single submitter. Criteria: ACMG Guidelines, 2015. Collection method: clinical testing. Allele origin: germline. Inheritance: Autosomal dominant inheritance. Observed: 3 variant alleles, 3 heterozygotes.
Comment: This missense variant replaces leucine with valine at codon 774 of the MSH6 protein. Computational prediction suggests that this variant may have deleterious impact on protein structure and function (internally defined REVEL score threshold >= 0.7, PMID: 27666373). To our knowledge, functional studies have not been reported for this variant. This variant has not been reported in individuals affected with MSH6-related disorders in the literature. This variant has been identified in 2/251146 chromosomes in the general population by the Genome Aggregation Database (gnomAD). The available evidence is insufficient to determine the role of this variant in disease conclusively. Therefore, this variant is classified as a Variant of Uncertain Significance.

This study involves interpretation of variants in research participants for the purpose of population health screening. Participant phenotype was not available at the time of variant classification. Additional details can be found in publication PMID: 35346344, PMCID: PMC8962531

Mayo Clinic Laboratories, Mayo Clinic
Classification: Uncertain significance. Last evaluated: 2023-10-03. Review status: criteria provided, single submitter. Criteria: ACMG Guidelines, 2015. Collection method: clinical testing. Allele origin: germline. Observed: 1 variant allele.
Comment: PP3, PM2_moderate

Myriad Genetics, Inc.
Classification: Uncertain significance for Lynch syndrome 5. Last evaluated: 2023-03-28. Review status: criteria provided, single submitter. Criteria: Myriad Autosomal Dominant, Autosomal Recessive and X-Linked Classification Criteria (2023). Collection method: clinical testing. Allele origin: unknown.
Comment: This variant is classified as a variant of uncertain significance as there is insufficient evidence to determine its impact on protein function and/or cancer risk.

Sema4
Classification: Uncertain significance for Hereditary cancer-predisposing syndrome. Last evaluated: 2022-02-26. Review status: criteria provided, single submitter. Criteria: Sema4 Curation Guidelines. Collection method: curation. Allele origin: germline.
Comment: To the best of our knowledge, the MSH6 c.2320C>G (p.L774V) variant has not been reported in individuals with MSH6-related disease. This variant was observed in 2/113454 chromosomes in the Non-Finnish European population according to the Genome Aggregation Database (PMID: 32461654). The variant has been reported in ClinVar (Variation ID: 219956). In silico tools suggest the impact of the variant on protein function is deleterious, though these predictions have not been confirmed by functional studies. The evidence is insufficient to meet ACMG/AMP criteria for classifying the variant as benign or pathogenic. Thus, the clinical significance of this variant is currently uncertain.

Women's Health and Genetics/Laboratory Corporation of America, LabCorp
Classification: Uncertain significance. Last evaluated: 2021-07-13. Review status: criteria provided, single submitter. Criteria: LabCorp Variant Classification Summary - May 2015. Collection method: clinical testing. Allele origin: germline.
Comment: Variant summary: MSH6 c.2320C>G (p.Leu774Val) results in a conservative amino acid change located in the DNA mismatch repair protein MutS, core domain of the encoded protein sequence. Four of five in-silico tools predict a damaging effect of the variant on protein function. The variant allele was found at a frequency of 8e-06 in 251146 control chromosomes. The available data on variant occurrences in the general population are insufficient to allow any conclusion about variant significance. To our knowledge, no occurrence of c.2320C>G in individuals affected with Hereditary Nonpolyposis Colorectal Cancer and no experimental evidence demonstrating its impact on protein function have been reported. Four clinical diagnostic laboratories have submitted clinical-significance assessments for this variant to ClinVar after 2014 without evidence for independent evaluation. All laboratories classified the variant as uncertain significance. Based on the evidence outlined above, the variant was classified as uncertain significance.

Counsyl
Classification: Uncertain significance for Lynch syndrome 5. Last evaluated: 2017-07-10. Review status: no assertion criteria provided. Collection method: clinical testing. Allele origin: unknown. Not counted in ClinVar's aggregate classification.